The following is an entry in ClinVar:

ClinVar aggregate classification (germline): Likely benign. Review status: criteria provided, single submitter (1 of 4 stars). 2 submissions from 2 submitters: Likely benign (1). 1 of the submissions does not count toward it. Last evaluated 2026-02-01.

Allele frequency attached by ClinVar (database versions not stated): gnomAD 0.00017 and 0.00018; TOPMed 0.00019; ExAC 0.00013; gnomAD exomes 0.00015; ESP Exome Variant Server 0.00016.

Submissions (2):

Labcorp Genetics (formerly Invitae), Labcorp
Classification: Likely benign. Last evaluated: 2026-02-01. Review status: criteria provided, single submitter. Criteria: Invitae Variant Classification Sherloc (09022015). Collection method: clinical testing. Allele origin: germline.

Martin Pollak Laboratory,  Beth Israel Deaconess Medical Center
Classification: Uncertain significance. Review status: no assertion criteria provided. Collection method: not provided. Allele origin: unknown. Not counted in ClinVar's aggregate classification.
Comment: Lower UCa2+ group
ClinVar note: Converted during submission from unknown to Uncertain significance.

NM_001177316.2(SLC34A3):c.1143G>A (p.Ala381=)

Gene: SLC34A3 (solute carrier family 34 member 3; plus strand). Cytogenetic location: 9q34.3.
Variant type: single nucleotide variant.
Coding change: c.1143G>A on transcript NM_001177316.2 (MANE Select); coding-DNA position 1143, G replaced by A.
Protein change: p.Ala381=; no amino-acid change (alanine 381 retained).
Molecular consequence: synonymous variant.
Genome position (GRCh38, 1-based): chr9:137,234,465, G>A. VCF-style: chr9-137234465-G-A. GRCh37 (hg19) VCF-style: chr9-140128917-G-A.
Other names: c.1143G>A, p.Ala381= (NM_001177317.2, NM_080877.3).
Identifiers: ClinVar variation 64498 (VCV000064498.12), dbSNP rs369565150, ClinGen allele CA216277.